The following is an entry in ClinVar:

NM_005076.5(CNTN2):c.1567G>A (p.Gly523Ser)

Gene: CNTN2 (contactin 2; plus strand). Cytogenetic location: 1q32.1.
Variant type: single nucleotide variant.
Coding change: c.1567G>A on transcript NM_005076.5 (MANE Select); coding-DNA position 1567, G replaced by A.
Protein change: p.Gly523Ser; replaces glycine 523 with serine.
Molecular consequence: missense variant. On other transcripts: non-coding transcript variant (1).
Genome position (GRCh38, 1-based): chr1:205,065,134, G>A. VCF-style: chr1-205065134-G-A. GRCh37 (hg19) VCF-style: chr1-205034262-G-A.
Other names: c.1567G>A, p.Gly523Ser (NM_001346083.2); short protein forms G523S.
Identifiers: ClinVar variation 1354517 (VCV001354517.3), dbSNP rs1168168259, ClinGen allele CA344375376.

ClinVar aggregate classification (germline): Uncertain significance (1 of 4 stars; one submission).

Conditions:
Epilepsy, familial adult myoclonic, 5 (EPEO5). Also called: CORTICAL MYOCLONIC TREMOR WITH EPILEPSY, FAMILIAL, 5. Identifiers: Orphanet 86814, MedGen C3809374, MONDO:0014167, OMIM 615400.

Allele frequency attached by ClinVar (database versions not stated): TOPMed below 0.00001; gnomAD 0.00001; gnomAD exomes 0.00002.
gnomAD v4.1: 13 of 1,613,922 alleles (0.00081%); highest among the groups gnomAD compares: South Asian, 0.0022%; no homozygotes.

Submission:

Labcorp Genetics (formerly Invitae), Labcorp
Classification: Uncertain significance for Epilepsy, familial adult myoclonic, 5. Last evaluated: 2022-06-29. Review status: criteria provided, single submitter. Criteria: Invitae Variant Classification Sherloc (09022015). Collection method: clinical testing. Allele origin: germline.
Comment: This sequence change replaces glycine, which is neutral and non-polar, with serine, which is neutral and polar, at codon 523 of the CNTN2 protein (p.Gly523Ser). This variant is present in population databases (no rsID available, gnomAD 0.007%). This variant has not been reported in the literature in individuals affected with CNTN2-related conditions. Advanced modeling of protein sequence and biophysical properties (such as structural, functional, and spatial information, amino acid conservation, physicochemical variation, residue mobility, and thermodynamic stability) performed at Invitae indicates that this missense variant is expected to disrupt CNTN2 protein function. In summary, the available evidence is currently insufficient to determine the role of this variant in disease. Therefore, it has been classified as a Variant of Uncertain Significance.